The following is an entry in ClinVar:

ClinVar aggregate classification (germline): Uncertain significance. Review status: criteria provided, multiple submitters, no conflicts (2 of 4 stars). 2 submissions from 2 submitters: Uncertain significance (2). Last evaluated 2025-08-24.

Conditions:
Epileptic encephalopathy. Identifiers: MedGen C0543888, HP:0200134.

Allele frequency attached by ClinVar (database versions not stated): gnomAD exomes below 0.00001; TOPMed below 0.00001.
gnomAD v4.1: 5 of 1,566,832 alleles (0.00032%); highest among the groups gnomAD compares: Admixed American, 0.0038%; no homozygotes.

Submissions (2):

Ambry Genetics
Classification: Uncertain significance. Last evaluated: 2025-08-24. Review status: criteria provided, single submitter. Criteria: Ambry Variant Classification Scheme 2023. Collection method: clinical testing. Allele origin: germline.

Labcorp Genetics (formerly Invitae), Labcorp
Classification: Uncertain significance for Epileptic encephalopathy. Last evaluated: 2023-02-26. Review status: criteria provided, single submitter. Criteria: Invitae Variant Classification Sherloc (09022015). Collection method: clinical testing. Allele origin: germline.
Comment: This sequence change replaces aspartic acid, which is acidic and polar, with asparagine, which is neutral and polar, at codon 1298 of the FASN protein (p.Asp1298Asn). This variant is not present in population databases (gnomAD no frequency). This variant has not been reported in the literature in individuals affected with FASN-related conditions. Algorithms developed to predict the effect of missense changes on protein structure and function output the following: SIFT: "Not Available"; PolyPhen-2: "Benign"; Align-GVGD: "Not Available". The asparagine amino acid residue is found in multiple mammalian species, which suggests that this missense change does not adversely affect protein function. In summary, the available evidence is currently insufficient to determine the role of this variant in disease. Therefore, it has been classified as a Variant of Uncertain Significance.

NM_004104.5(FASN):c.3892G>A (p.Asp1298Asn)

Gene: FASN (fatty acid synthase; minus strand). Cytogenetic location: 17q25.3.
Variant type: single nucleotide variant.
Coding change: c.3892G>A on transcript NM_004104.5 (MANE Select); coding-DNA position 3892, G replaced by A.
Protein change: p.Asp1298Asn; replaces aspartic acid 1298 with asparagine.
Molecular consequence: missense variant.
Genome position (GRCh38, 1-based): chr17:82,085,712, C>T on the plus strand (G>A on the coding strand, the complement: FASN is on the minus strand). VCF-style: chr17-82085712-C-T. GRCh37 (hg19) VCF-style: chr17-80043588-C-T.
Other names: c.3892G>A (NM_004104.4); short protein forms D1298N.
Identifiers: ClinVar variation 2955524 (VCV002955524.4), dbSNP rs946922416, ClinGen allele CA295130241.
Genomic context (GRCh38, chr17:82,085,712, plus strand): 5'-CACAGTTGCACACCAGGAGGTCGGCGCTGCCCAGGGCGCTGGGGGCAGGGTCTGCGGGAT[C>T]CCACTGGCCCTGGGCAACGTCGTGCTGCTGCAGCTCGGCCTGGGCAGCCTCCAGGGCCTG-3'
Protein context (NP_004095.4, residues 1288-1308): QQHDVAQGQW[Asp1298Asn]PADPAPSALG